The following is an entry in ClinVar:

NM_000260.4(MYO7A):c.620A>G (p.Asn207Ser)

Gene: MYO7A (myosin VIIA; plus strand). Cytogenetic location: 11q13.5.
Variant type: single nucleotide variant.
Coding change: c.620A>G on transcript NM_000260.4 (MANE Select); coding-DNA position 620, A replaced by G.
Protein change: p.Asn207Ser; replaces asparagine 207 with serine.
Molecular consequence: missense variant.
Genome position (GRCh38, 1-based): chr11:77,156,889, A>G. VCF-style: chr11-77156889-A-G. GRCh37 (hg19) VCF-style: chr11-76867935-A-G.
Other names: c.620A>G, p.Asn207Ser (NM_001127180.2); c.587A>G, p.Asn196Ser (NM_001369365.1); short protein forms N207S, N196S.
Identifiers: ClinVar variation 236051 (VCV000236051.2), dbSNP rs878853235, ClinGen allele CA10581508.

ClinVar aggregate classification (germline): Uncertain significance. Review status: criteria provided, single submitter (1 of 4 stars). 2 submissions from 2 submitters: Uncertain significance (1). 1 of the submissions does not count toward it. Last evaluated 2026-03-12.

Conditions:
Usher syndrome type 1 (USH1). Also called: RETINITIS PIGMENTOSA AND CONGENITAL DEAFNESS. Identifiers: Orphanet 231169, Orphanet 886, MedGen C1568247, MONDO:0010168, OMIM 276900.
Autosomal recessive nonsyndromic hearing loss 2. Also called: DEAFNESS, AUTOSOMAL RECESSIVE 2; NEUROSENSORY NONSYNDROMIC RECESSIVE DEAFNESS 2. Identifiers: Orphanet 90636, MedGen C1838701, MONDO:0010807, OMIM 600060.

Allele frequency attached by ClinVar (database versions not stated): gnomAD exomes below 0.00001.
gnomAD v4.1: 4 of 1,613,990 alleles (0.00025%); highest among the groups gnomAD compares: Non-Finnish European, 0.00025%; no homozygotes.

Submissions (2):

Myriad Genetics, Inc.
Classification: Uncertain significance for Usher syndrome type 1. Last evaluated: 2026-03-12. Review status: criteria provided, single submitter. Criteria: Myriad Autosomal Dominant, Autosomal Recessive and X-Linked Classification Criteria (2023). Collection method: clinical testing. Allele origin: unknown.
Comment: NM_000260.3(MYO7A):c.620A>G(N207S) is a missense variant classified as a variant of uncertain significance in the context of MYO7A-related disorders. N207S has been observed in cases with relevant disease (PMID: 24105371). Relevant functional assessments of this variant are not available in the literature. Internal structural analysis of the variant is supportive of pathogenicity. N207S has not been observed in referenced population frequency databases. In summary, there is insufficient evidence to classify NM_000260.3(MYO7A):c.620A>G(N207S) as pathogenic or benign. Please note: this variant was assessed in the context of healthy population screening.

Laboratory of Prof. Karen Avraham, Tel Aviv University
Classification: Pathogenic for Autosomal recessive nonsyndromic hearing loss 2. Last evaluated: 2016-02-19. Review status: no assertion criteria provided. Collection method: research. Allele origin: germline. Affected: yes. Not counted in ClinVar's aggregate classification.
Comment: Congenital, severe HL

NSHL; recessive, DFNB2

Literature cited by the submitters: PubMed 24105371 (cited by Myriad Genetics, Inc.).